The following is an entry in ClinVar:

ClinVar aggregate classification (germline): Uncertain significance (1 of 4 stars; one submission).

gnomAD v4.1: 6 of 1,551,064 alleles (0.00039%); highest among the groups gnomAD compares: Non-Finnish European, 0.00052%; no homozygotes.

Submission:

GeneDx
Classification: Uncertain significance. Last evaluated: 2020-10-27. Review status: criteria provided, single submitter. Criteria: GeneDx Variant Classification Process June 2021. Collection method: clinical testing. Allele origin: germline. Affected: yes.
Comment: Not observed in large population cohorts (Lek et al., 2016); In silico analysis supports that this missense variant does not alter protein structure/function; Has not been previously published as pathogenic or benign to our knowledge

NM_001145026.2(PTPRQ):c.1247C>G (p.Thr416Ser)

Gene: PTPRQ (protein tyrosine phosphatase receptor type Q; plus strand). Cytogenetic location: 12q21.31.
Variant type: single nucleotide variant.
Coding change: c.1247C>G on transcript NM_001145026.2 (MANE Select); coding-DNA position 1247, C replaced by G.
Protein change: p.Thr416Ser; replaces threonine 416 with serine.
Molecular consequence: missense variant.
Genome position (GRCh38, 1-based): chr12:80,484,493, C>G. VCF-style: chr12-80484493-C-G. GRCh37 (hg19) VCF-style: chr12-80878272-C-G.
Other names: short protein forms T416S.
Identifiers: ClinVar variation 1313438 (VCV001313438.2), dbSNP rs372238123, ClinGen allele CA385883792.